The following is an entry in ClinVar:

ClinVar aggregate classification (germline): Likely benign. Review status: criteria provided, multiple submitters, no conflicts (2 of 4 stars). 3 submissions from 3 submitters: Likely benign (2). 1 of the submissions does not count toward it. Last evaluated 2026-01-28.

Conditions:
EPG5-related disorder. Also called: EPG5-related condition. Identifiers: MedGen CN381528.
Inborn genetic diseases. Identifiers: MedGen C0950123, MeSH D030342.
Vici syndrome (VICIS). Identifiers: Orphanet 1493, MedGen C1855772, MONDO:0009452, OMIM 242840.

Allele frequency attached by ClinVar (database versions not stated): gnomAD exomes 0.00039 and 0.00079; ExAC 0.00089; ESP Exome Variant Server 0.00141; TOPMed 0.00142; gnomAD 0.00164 and 0.00166; 1000 Genomes Project 30x 0.00234; 1000 Genomes Project 0.00280.
gnomAD v4.1: 824 of 1,614,108 alleles (0.051%); highest among the groups gnomAD compares: African/African-American, 0.53%; 8 homozygotes.

Submissions (3):

Labcorp Genetics (formerly Invitae), Labcorp
Classification: Likely benign for Vici syndrome. Last evaluated: 2026-01-28. Review status: criteria provided, single submitter. Criteria: Invitae Variant Classification Sherloc (09022015). Collection method: clinical testing. Allele origin: germline.

Ambry Genetics
Classification: Likely benign for Inborn genetic diseases. Last evaluated: 2024-03-27. Review status: criteria provided, single submitter. Criteria: Ambry Variant Classification Scheme 2023. Collection method: clinical testing. Allele origin: germline.

PreventionGenetics, part of Exact Sciences
Classification: Likely benign for EPG5-related condition. Last evaluated: 2021-09-27. Review status: no assertion criteria provided. Collection method: clinical testing. Allele origin: germline. Not counted in ClinVar's aggregate classification.
Comment: This variant is classified as likely benign based on ACMG/AMP sequence variant interpretation guidelines (Richards et al. 2015 PMID: 25741868, with internal and published modifications).

NM_020964.3(EPG5):c.1048C>T (p.Arg350Cys)

Gene: EPG5 (ectopic P-granules 5 autophagy tethering factor; minus strand). Cytogenetic location: 18q21.1.
Variant type: single nucleotide variant.
Coding change: c.1048C>T on transcript NM_020964.3 (MANE Select); coding-DNA position 1048, C replaced by T.
Protein change: p.Arg350Cys; replaces arginine 350 with cysteine.
Molecular consequence: missense variant.
Genome position (GRCh38, 1-based): chr18:45,952,604, G>A on the plus strand (C>T on the coding strand, the complement: EPG5 is on the minus strand). VCF-style: chr18-45952604-G-A. GRCh37 (hg19) VCF-style: chr18-43532570-G-A.
Other names: c.1048C>T, p.Arg350Cys (LRG_1234t1); short protein forms R350C.
Identifiers: ClinVar variation 534613 (VCV000534613.16), dbSNP rs148098259, ClinGen allele CA8949825.